The following is an entry in ClinVar:

NM_000053.4(ATP7B):c.2012dup (p.Met671fs)

Gene: ATP7B (ATPase copper transporting beta; minus strand). Cytogenetic location: 13q14.3.
Variant type: Duplication.
Coding change: c.2012dup on transcript NM_000053.4 (MANE Select); coding-DNA position 2012, one base duplicated (T; older notation c.2012dupT).
Protein change: p.Met671fs; shifts the reading frame from methionine 671.
Molecular consequence: frameshift variant. On other transcripts: intron variant (13).
Genome position (GRCh38, 1-based): chr13:51,960,257, A duplicated on the plus strand (T on the coding strand, the reverse complement: ATP7B is on the minus strand). VCF-style (leftmost placement, unchanged base first): chr13-51960256-C-CA. GRCh37 (hg19) VCF-style: chr13-52534392-C-CA.
Other names: c.1679dup, p.Met560fs (NM_001243182.2); c.2012dup, p.Met671fs (NM_001330578.2, NM_001406511.1, NM_001406512.1 and 16 more transcripts); c.1979dup, p.Met660fs (NM_001406514.1, NM_001406524.1); c.1916dup, p.Met639fs (NM_001406517.1, NM_001406518.1, NM_001406530.1 and 1 more transcripts); c.1708-2650dup (NM_001406545.1, NM_001406547.1); c.1870-2650dup (NM_001005918.3, NM_001406546.1, NM_001406542.1 and 1 more transcripts); c.1870-1713dup (NM_001406540.1, NM_001330579.2, NM_001406531.1 and 1 more transcripts); c.1774-2650dup (NM_001406544.1); and 3 more; short protein forms M528fs, M660fs, M560fs, M639fs, M671fs.
Identifiers: ClinVar variation 3690667 (VCV003690667.2).

ClinVar aggregate classification (germline): Pathogenic (1 of 4 stars; one submission).

Conditions:
Wilson disease (WND). Also called: Wilson's disease. Identifiers: Orphanet 905, MedGen C0019202, MONDO:0010200, OMIM 277900. Disease mechanism: loss of function.

Submission:

Labcorp Genetics (formerly Invitae), Labcorp
Classification: Pathogenic for Wilson disease. Last evaluated: 2024-01-31. Review status: criteria provided, single submitter. Criteria: Invitae Variant Classification Sherloc (09022015). Collection method: clinical testing. Allele origin: germline.
Comment: This sequence change creates a premature translational stop signal (p.Met671Ilefs*84) in the ATP7B gene. It is expected to result in an absent or disrupted protein product. Loss-of-function variants in ATP7B are known to be pathogenic (PMID: 10441329, 16283883). This variant is not present in population databases (gnomAD no frequency). This premature translational stop signal has been observed in individual(s) with Wilson disease (PMID: 35220961). For these reasons, this variant has been classified as Pathogenic.

Literature cited by the submitters: PubMed 10441329; PubMed 16283883; PubMed 35220961.